The following is an entry in ClinVar:

NM_001378454.1(ALMS1):c.12232G>A (p.Ala4078Thr)

Genes: ALMS1 (ALMS1 centrosome and basal body associated protein; plus strand), LOC126806252 (BRD4-independent group 4 enhancer GRCh37_chr2:73828496-73829695; plus strand). Cytogenetic location: 2p13.1.
Variant type: single nucleotide variant.
Coding change: c.12232G>A on transcript NM_001378454.1 (MANE Select); coding-DNA position 12232, G replaced by A.
Protein change: p.Ala4078Thr; replaces alanine 4078 with threonine.
Molecular consequence: missense variant.
Genome position (GRCh38, 1-based): chr2:73,602,302, G>A. VCF-style: chr2-73602302-G-A. GRCh37 (hg19) VCF-style: chr2-73829429-G-A.
Other names: c.12235G>A, p.Ala4079Thr (NM_015120.4); short protein forms A4078T, A4079T.
Identifiers: ClinVar variation 4613481 (VCV004613481.1).
Genomic context (GRCh38, chr2:73,602,302, plus strand): 5'-CGCCTGAAGTTAATAGTCCAGGAGAGGAAGCTGCAGAGCATGTTACAGACCGAGCGGGAT[G>A]CACTATTCAACATTGACAGGGAACGGCAGGGCCACCAGAATCGCATGTGCCCGCTGCCCA-3'
Protein context (NP_001365383.1, residues 4068-4088): LQSMLQTERD[Ala4078Thr]LFNIDRERQG

ClinVar aggregate classification (germline): Uncertain significance (1 of 4 stars; one submission).

Conditions:
Cardiovascular phenotype. Identifiers: MedGen CN230736.

gnomAD v4.1: 17 of 1,614,218 alleles (0.0011%); highest among the groups gnomAD compares: Non-Finnish European, 0.0014%; no homozygotes.

Submission:

Ambry Genetics
Classification: Uncertain significance for Cardiovascular phenotype. Last evaluated: 2025-12-09. Review status: criteria provided, single submitter. Criteria: Ambry Variant Classification Scheme 2023. Collection method: clinical testing. Allele origin: germline.
Comment: The p.A4079T variant (also known as c.12235G>A), located in coding exon 20 of the ALMS1 gene, results from a G to A substitution at nucleotide position 12235. The alanine at codon 4079 is replaced by threonine, an amino acid with similar properties. This amino acid position is not well conserved in available vertebrate species. In addition, the in silico prediction for this alteration is inconclusive. Based on the available evidence, the clinical significance of this variant remains unclear.